The following is an entry in ClinVar:

NM_006393.3(NEBL):c.700A>G (p.Lys234Glu)

Gene: NEBL (nebulette; minus strand). Cytogenetic location: 10p12.31.
Variant type: single nucleotide variant.
Coding change: c.700A>G on transcript NM_006393.3 (MANE Select); coding-DNA position 700, A replaced by G.
Protein change: p.Lys234Glu; replaces lysine 234 with glutamic acid.
Molecular consequence: missense variant. On other transcripts: intron variant (9).
Genome position (GRCh38, 1-based): chr10:20,859,811, T>C on the plus strand (A>G on the coding strand, the complement: NEBL is on the minus strand). VCF-style: chr10-20859811-T-C. GRCh37 (hg19) VCF-style: chr10-21148740-T-C.
Other names: c.250-46871A>G (NM_001377326.1, NM_001377327.1, NM_001377328.1); c.358-46871A>G (NM_213569.2, NM_001173484.2, NM_001377322.1); c.301-46871A>G (NM_001377324.1); c.292-46871A>G (NM_001377325.1); c.310-46871A>G (NM_001377323.1); short protein forms K234E.
Identifiers: ClinVar variation 1524974 (VCV001524974.8), dbSNP rs568662113, ClinGen allele CA5433131.

ClinVar aggregate classification (germline): Uncertain significance (1 of 4 stars; one submission).

Conditions:
Primary dilated cardiomyopathy (DCM). Also called: Dilated Cardiomyopathy. Identifiers: Orphanet 217604, MedGen C0007193, MeSH D002311, MONDO:0005021, HP:0001644. Inheritance: Various modes of inheritance.

Allele frequency attached by ClinVar (database versions not stated): ExAC 0.00004; 1000 Genomes Project 30x 0.00016; 1000 Genomes Project 0.00020.
gnomAD v4.1: 28 of 1,501,302 alleles (0.0019%); highest among the groups gnomAD compares: South Asian, 0.021%; no homozygotes.

Submission:

Labcorp Genetics (formerly Invitae), Labcorp
Classification: Uncertain significance for Primary dilated cardiomyopathy. Last evaluated: 2023-05-22. Review status: criteria provided, single submitter. Criteria: Invitae Variant Classification Sherloc (09022015). Collection method: clinical testing. Allele origin: germline.
Comment: This sequence change replaces lysine, which is basic and polar, with glutamic acid, which is acidic and polar, at codon 234 of the NEBL protein (p.Lys234Glu). This variant is present in population databases (rs568662113, gnomAD 0.03%). This variant has not been reported in the literature in individuals affected with NEBL-related conditions. ClinVar contains an entry for this variant (Variation ID: 1524974). An algorithm developed to predict the effect of missense changes on protein structure and function (PolyPhen-2) suggests that this variant is likely to be disruptive. In summary, the available evidence is currently insufficient to determine the role of this variant in disease. Therefore, it has been classified as a Variant of Uncertain Significance.